The following is an entry in ClinVar:

NM_001005242.3(PKP2):c.1402A>G (p.Asn468Asp)

Gene: PKP2 (plakophilin 2; minus strand). Cytogenetic location: 12p11.21.
Variant type: single nucleotide variant.
Coding change: c.1402A>G on transcript NM_001005242.3 (MANE Select); coding-DNA position 1402, A replaced by G.
Protein change: p.Asn468Asp; replaces asparagine 468 with aspartic acid.
Molecular consequence: missense variant.
Genome position (GRCh38, 1-based): chr12:32,841,182, T>C on the plus strand (A>G on the coding strand, the complement: PKP2 is on the minus strand). VCF-style: chr12-32841182-T-C. GRCh37 (hg19) VCF-style: chr12-32994116-T-C.
Other names: c.1402A>G, p.Asn468Asp (NM_001407155.1, NM_001407156.1, NM_001407161.1); c.1534A>G, p.Asn512Asp (NM_001407157.1, NM_004572.4); c.1075A>G, p.Asn359Asp (NM_001407158.1, NM_001407159.1, NM_001407160.1 and 1 more transcripts); short protein forms N359D, N468D, N512D.
Identifiers: ClinVar variation 3224316 (VCV003224316.1), dbSNP rs2541265331, ClinGen allele CA384368089.

ClinVar aggregate classification (germline): Uncertain significance (1 of 4 stars; one submission).

Conditions:
Cardiovascular phenotype. Identifiers: MedGen CN230736.

Submission:

Ambry Genetics
Classification: Uncertain significance for Cardiovascular phenotype. Last evaluated: 2023-10-26. Review status: criteria provided, single submitter. Criteria: Ambry Variant Classification Scheme 2023. Collection method: clinical testing. Allele origin: germline.
Comment: The p.N512D variant (also known as c.1534A>G), located in coding exon 7 of the PKP2 gene, results from an A to G substitution at nucleotide position 1534. The asparagine at codon 512 is replaced by aspartic acid, an amino acid with highly similar properties. This amino acid position is conserved. In addition, this alteration is predicted to be tolerated by in silico analysis. Since supporting evidence is limited at this time, the clinical significance of this alteration remains unclear.